The following is an entry in ClinVar:

NM_025074.7(FRAS1):c.11092+5G>T

Genes: FRAS1 (Fraser extracellular matrix complex subunit 1; plus strand), LOC126807089 (CDK7 strongly-dependent group 2 enhancer GRCh37_chr4:79455131-79456330; plus strand). Cytogenetic location: 4q21.21.
Variant type: single nucleotide variant.
Coding change: c.11092+5G>T on transcript NM_025074.7 (MANE Select); 5 bases into the intron after coding-DNA position 11092, G replaced by T.
Molecular consequence: intron variant.
Genome position (GRCh38, 1-based): chr4:78,534,620, G>T. VCF-style: chr4-78534620-G-T. GRCh37 (hg19) VCF-style: chr4-79455774-G-T.
Identifiers: ClinVar variation 1302190 (VCV001302190.4), dbSNP rs1239425613, ClinGen allele CA552765558.

ClinVar aggregate classification (germline): Uncertain significance (1 of 4 stars; one submission).

Allele frequency attached by ClinVar (database versions not stated): gnomAD exomes 0.00001.
gnomAD v4.1: 6 of 1,611,774 alleles (0.00037%); highest among the groups gnomAD compares: Middle Eastern, 0.017%; no homozygotes.

Submission:

GeneDx
Classification: Uncertain significance. Last evaluated: 2025-10-26. Review status: criteria provided, single submitter. Criteria: GeneDx Variant Classification Process June 2021. Collection method: clinical testing. Allele origin: germline. Affected: yes.
Comment: Not observed at significant frequency in large population cohorts (gnomAD); Has not been previously published as pathogenic or benign to our knowledge; In silico analysis is inconclusive as to whether the variant alters gene splicing. In the absence of RNA/functional studies, the actual effect of this sequence change is unknown.